The following is an entry in ClinVar:

ClinVar aggregate classification (germline): Uncertain significance. Review status: criteria provided, multiple submitters, no conflicts (2 of 4 stars). 4 submissions from 4 submitters: Uncertain significance (4). Last evaluated 2025-09-09.

Conditions:
Autosomal recessive ataxia, Beauce type. Also called: Spinocerebellar ataxia, autosomal recessive 8; ATAXIA, RECESSIVE, OF BEAUCE; SYNE1-Related Autosomal Recessive Cerebellar Ataxia; SYNE1 Deficiency. Identifiers: Orphanet 88644, MedGen C1853116, MONDO:0012549, OMIM 610743.
Emery-Dreifuss muscular dystrophy 4, autosomal dominant (EDMD4). Also called: EMERY-DREIFUSS MUSCULAR DYSTROPHY 4 WITH VARIABLE FEATURES. Identifiers: Orphanet 261, MedGen C2751807, MONDO:0013071, OMIM 612998.

Allele frequency attached by ClinVar (database versions not stated): gnomAD 0.00003; gnomAD exomes 0.00003; TOPMed 0.00004; ExAC 0.00006.
gnomAD v4.1: 45 of 1,613,222 alleles (0.0028%); highest among the groups gnomAD compares: South Asian, 0.027%; 1 homozygote.

Submissions (4):

Women's Health and Genetics/Laboratory Corporation of America, LabCorp
Classification: Uncertain significance. Last evaluated: 2025-09-09. Review status: criteria provided, single submitter. Criteria: LabCorp Variant Classification Summary - May 2015. Collection method: clinical testing. Allele origin: germline.
Comment: Variant summary: SYNE1 c.12138G>A (p.Thr4046Thr) alters a conserved nucleotide located close to a canonical splice site and therefore could affect mRNA splicing, leading to a significantly altered protein sequence. Several computational tools predict a significant impact on normal splicing: Three predict the variant weakens a 5' donor site. One predicts the variant abolishes a 5' splicing donor site. However, these predictions have yet to be confirmed by functional studies. The variant allele was found at a frequency of 3.2e-05 in 251286 control chromosomes in the gnomAD database, including 1 homozygote. The available data on variant occurrences in the general population are insufficient to allow any conclusion about variant significance. To our knowledge, no occurrence of c.12138G>A in individuals affected with SYNE1-related conditions and no experimental evidence demonstrating its impact on protein function have been reported. The following publication has been ascertained in the context of this evaluation (PMID: 32005909). ClinVar contains an entry for this variant (Variation ID: 499093). Based on the evidence outlined above, the variant was classified as uncertain significance.

Labcorp Genetics (formerly Invitae), Labcorp
Classification: Uncertain significance for Emery-Dreifuss muscular dystrophy 4, autosomal dominant; Autosomal recessive ataxia, Beauce type. Last evaluated: 2024-12-16. Review status: criteria provided, single submitter. Criteria: Invitae Variant Classification Sherloc (09022015). Collection method: clinical testing. Allele origin: germline.
Comment: This sequence change affects codon 4046 of the SYNE1 mRNA. It is a 'silent' change, meaning that it does not change the encoded amino acid sequence of the SYNE1 protein. This variant also falls at the last nucleotide of exon 74, which is part of the consensus splice site for this exon. This variant is present in population databases (no rsID available, gnomAD 0.02%). This variant has not been reported in the literature in individuals affected with SYNE1-related conditions. ClinVar contains an entry for this variant (Variation ID: 499093). Variants that disrupt the consensus splice site are a relatively common cause of aberrant splicing (PMID: 17576681, 9536098). Algorithms developed to predict the effect of sequence changes on RNA splicing suggest that this variant is not likely to affect RNA splicing. In summary, the available evidence is currently insufficient to determine the role of this variant in disease. Therefore, it has been classified as a Variant of Uncertain Significance.

Blueprint Genetics
Classification: Uncertain significance. Last evaluated: 2024-05-27. Review status: criteria provided, single submitter. Criteria: ACMG Guidelines, 2015. Collection method: clinical testing. Allele origin: germline.

Eurofins Ntd Llc (ga)
Classification: Uncertain significance. Last evaluated: 2016-12-28. Review status: criteria provided, single submitter. Criteria: EGL Classification Definitions 2015. Collection method: clinical testing. Allele origin: germline. Observed: 1 variant allele, 1 heterozygote.

Literature cited by the submitters: PubMed 32005909 (cited by Women's Health and Genetics/Laboratory Corporation of America, LabCorp); PubMed 17576681 (cited by Labcorp Genetics (formerly Invitae), Labcorp); PubMed 9536098 (cited by Labcorp Genetics (formerly Invitae), Labcorp).

NM_182961.4(SYNE1):c.12351G>A (p.Thr4117=)

Gene: SYNE1 (spectrin repeat containing nuclear envelope protein 1; minus strand). Cytogenetic location: 6q25.2.
Variant type: single nucleotide variant.
Coding change: c.12351G>A on transcript NM_182961.4 (MANE Select); coding-DNA position 12351, G replaced by A.
Protein change: p.Thr4117=; no amino-acid change (threonine 4117 retained).
Molecular consequence: synonymous variant.
Genome position (GRCh38, 1-based): chr6:152,339,241, C>T on the plus strand (G>A on the coding strand, the complement: SYNE1 is on the minus strand). VCF-style: chr6-152339241-C-T. GRCh37 (hg19) VCF-style: chr6-152660376-C-T.
Other names: c.12138G>A, p.Thr4046= (NM_033071.5).
Identifiers: ClinVar variation 499093 (VCV000499093.11), dbSNP rs1272129870, ClinGen allele CA4056435.